The following is an entry in ClinVar:

ClinVar aggregate classification (germline): Uncertain significance (1 of 4 stars; one submission).

Allele frequency attached by ClinVar (database versions not stated): ExAC 0.00001; gnomAD 0.00001; gnomAD exomes 0.00001.
gnomAD v4.1: 11 of 1,613,734 alleles (0.00068%); highest among the groups gnomAD compares: South Asian, 0.011%; no homozygotes.

Submission:

GeneDx
Classification: Uncertain significance. Last evaluated: 2023-02-07. Review status: criteria provided, single submitter. Criteria: GeneDx Variant Classification Process June 2021. Collection method: clinical testing. Allele origin: germline. Affected: yes.
Comment: Not observed at significant frequency in large population cohorts (gnomAD); In silico analysis supports that this missense variant does not alter protein structure/function; Has not been previously published as pathogenic or benign to our knowledge

NM_006514.4(SCN10A):c.4114A>G (p.Ile1372Val)

Gene: SCN10A (sodium voltage-gated channel alpha subunit 10; minus strand). Cytogenetic location: 3p22.2.
Variant type: single nucleotide variant.
Coding change: c.4114A>G on transcript NM_006514.4 (MANE Select); coding-DNA position 4114, A replaced by G.
Protein change: p.Ile1372Val; replaces isoleucine 1372 with valine.
Molecular consequence: missense variant.
Genome position (GRCh38, 1-based): chr3:38,710,873, T>C on the plus strand (A>G on the coding strand, the complement: SCN10A is on the minus strand). VCF-style: chr3-38710873-T-C. GRCh37 (hg19) VCF-style: chr3-38752364-T-C.
Other names: c.4111A>G, p.Ile1371Val (NM_001293306.2); c.3820A>G, p.Ile1274Val (NM_001293307.2); short protein forms I1274V, I1371V, I1372V.
Identifiers: ClinVar variation 2574748 (VCV002574748.1), dbSNP rs781030516, ClinGen allele CA2320013.